The following is an entry in ClinVar:

NM_004655.4(AXIN2):c.851A>G (p.His284Arg)

Gene: AXIN2 (axin 2; minus strand). Cytogenetic location: 17q24.1.
Variant type: single nucleotide variant.
Coding change: c.851A>G on transcript NM_004655.4 (MANE Select); coding-DNA position 851, A replaced by G.
Protein change: p.His284Arg; replaces histidine 284 with arginine.
Molecular consequence: missense variant.
Genome position (GRCh38, 1-based): chr17:65,549,625, T>C on the plus strand (A>G on the coding strand, the complement: AXIN2 is on the minus strand). VCF-style: chr17-65549625-T-C. GRCh37 (hg19) VCF-style: chr17-63545743-T-C.
Other names: c.851A>G, p.His284Arg (NM_001363813.1); short protein forms H284R.
Identifiers: ClinVar variation 5032585 (VCV005032585.1).

ClinVar aggregate classification (germline): Uncertain significance (1 of 4 stars; one submission).

Conditions:
Hereditary cancer-predisposing syndrome. Also called: Neoplastic Syndromes, Hereditary; Tumor predisposition; Hereditary neoplastic syndrome; Hereditary Cancer Syndrome. Identifiers: Orphanet 140162, MedGen C0027672, MeSH D009386, MONDO:0015356.

Submission:

Ambry Genetics
Classification: Uncertain significance for Hereditary cancer-predisposing syndrome. Last evaluated: 2026-07-06. Review status: criteria provided, single submitter. Criteria: Ambry Variant Classification Scheme 2023. Collection method: clinical testing. Allele origin: germline.
Comment: The p.H284R variant (also known as c.851A>G), located in coding exon 2 of the AXIN2 gene, results from an A to G substitution at nucleotide position 851. The histidine at codon 284 is replaced by arginine, an amino acid with highly similar properties. This amino acid position is conserved. In addition, the in silico prediction for this alteration is inconclusive. Based on the available evidence, the clinical significance of this variant remains unclear.